The following is an entry in ClinVar:

ClinVar aggregate classification (germline): Uncertain significance (1 of 4 stars; one submission).

Conditions:
Inborn genetic diseases. Identifiers: MedGen C0950123, MeSH D030342.

Submission:

Ambry Genetics
Classification: Uncertain significance for Inborn genetic diseases. Last evaluated: 2025-10-22. Review status: criteria provided, single submitter. Criteria: Ambry Variant Classification Scheme 2023. Collection method: clinical testing. Allele origin: germline.
Comment: The p.G51R variant (also known as c.151G>C), located in coding exon 2 of the ELANE gene, results from a G to C substitution at nucleotide position 151. The glycine at codon 51 is replaced by arginine, an amino acid with dissimilar properties. This amino acid position is conserved. In addition, this alteration is predicted to be deleterious by in silico analysis. Based on the available evidence, the clinical significance of this variant remains unclear.

NM_001972.4(ELANE):c.151G>C (p.Gly51Arg)

Gene: ELANE (elastase, neutrophil expressed; plus strand). Cytogenetic location: 19p13.3.
Variant type: single nucleotide variant.
Coding change: c.151G>C on transcript NM_001972.4 (MANE Select); coding-DNA position 151, G replaced by C.
Protein change: p.Gly51Arg; replaces glycine 51 with arginine.
Molecular consequence: missense variant.
Genome position (GRCh38, 1-based): chr19:852,959, G>C. VCF-style: chr19-852959-G-C. GRCh37 (hg19) VCF-style: chr19-852959-G-C.
Other names: short protein forms G51R.
Identifiers: ClinVar variation 4618402 (VCV004618402.1).
Genomic context (GRCh38, chr19:852,959, plus strand): 5'-GTGGGGGGCCGGCGAGCGCGGCCCCACGCGTGGCCCTTCATGGTGTCCCTGCAGCTGCGC[G>C]GAGGCCACTTCTGCGGCGCCACCCTGATTGCGCCCAACTTCGTCATGTCGGCCGCGCACT-3'
Protein context (NP_001963.1, residues 41-61): WPFMVSLQLR[Gly51Arg]GHFCGATLIA